The following is an entry in ClinVar:

NM_018896.5(CACNA1G):c.5984C>T (p.Ser1995Phe)

Gene: CACNA1G (calcium voltage-gated channel subunit alpha1 G; plus strand). Cytogenetic location: 17q21.33.
Variant type: single nucleotide variant.
Coding change: c.5984C>T on transcript NM_018896.5 (MANE Select); coding-DNA position 5984, C replaced by T.
Protein change: p.Ser1995Phe; replaces serine 1995 with phenylalanine.
Molecular consequence: missense variant. On other transcripts: intron variant (24).
Genome position (GRCh38, 1-based): chr17:50,621,718, C>T. VCF-style: chr17-50621718-C-T. GRCh37 (hg19) VCF-style: chr17-48699079-C-T.
Other names: c.5951C>T, p.Ser1984Phe (NM_198377.3); c.5771C>T, p.Ser1924Phe (NM_198383.3); c.5882C>T, p.Ser1961Phe (NM_198396.3); c.5803-2189C>T (NM_001256325.2); c.5680-2189C>T (NM_198387.3, NM_198376.3, NM_001256329.2); c.5713-2189C>T (NM_198382.3); c.5659-2189C>T (NM_198388.3); c.5611-2189C>T (NM_001256332.2); and 15 more; short protein forms S1995F, S1924F, S1984F, S1961F.
Identifiers: ClinVar variation 3013066 (VCV003013066.3), dbSNP rs1023544138, ClinGen allele CA291641430.

ClinVar aggregate classification (germline): Uncertain significance (1 of 4 stars; one submission).

Allele frequency attached by ClinVar (database versions not stated): gnomAD exomes below 0.00001; gnomAD 0.00001; TOPMed 0.00001.
gnomAD v4.1: 3 of 1,613,862 alleles (0.00019%); highest among the groups gnomAD compares: Non-Finnish European, 0.00025%; no homozygotes.

Submission:

Labcorp Genetics (formerly Invitae), Labcorp
Classification: Uncertain significance. Last evaluated: 2024-10-29. Review status: criteria provided, single submitter. Criteria: Invitae Variant Classification Sherloc (09022015). Collection method: clinical testing. Allele origin: germline.
Comment: This sequence change replaces serine, which is neutral and polar, with phenylalanine, which is neutral and non-polar, at codon 1995 of the CACNA1G protein (p.Ser1995Phe). This variant is present in population databases (no rsID available, gnomAD 0.007%). This variant has not been reported in the literature in individuals affected with CACNA1G-related conditions. Invitae Evidence Modeling of protein sequence and biophysical properties (such as structural, functional, and spatial information, amino acid conservation, physicochemical variation, residue mobility, and thermodynamic stability) has been performed for this missense variant. However, the output from this modeling did not meet the statistical confidence thresholds required to predict the impact of this variant on CACNA1G protein function. In summary, the available evidence is currently insufficient to determine the role of this variant in disease. Therefore, it has been classified as a Variant of Uncertain Significance.